The following is an entry in ClinVar:

NM_000702.4(ATP1A2):c.2114A>G (p.Gln705Arg)

Gene: ATP1A2 (ATPase Na+/K+ transporting subunit alpha 2; plus strand). Cytogenetic location: 1q23.2.
Variant type: single nucleotide variant.
Coding change: c.2114A>G on transcript NM_000702.4 (MANE Select); coding-DNA position 2114, A replaced by G.
Protein change: p.Gln705Arg; replaces glutamine 705 with arginine.
Molecular consequence: missense variant.
Genome position (GRCh38, 1-based): chr1:160,135,294, A>G. VCF-style: chr1-160135294-A-G. GRCh37 (hg19) VCF-style: chr1-160105084-A-G.
Other names: p.Gln705Arg; short protein forms Q705R.
Identifiers: ClinVar variation 4541780 (VCV004541780.1).

ClinVar aggregate classification (germline): Uncertain significance (1 of 4 stars; one submission).

Submission:

Mayo Clinic Laboratories, Mayo Clinic
Classification: Uncertain significance. Last evaluated: 2025-05-14. Review status: criteria provided, single submitter. Criteria: ACMG Guidelines, 2015. Collection method: clinical testing. Allele origin: germline. Observed: 1 variant allele.
Comment: PP2, PM2_supporting